The following is an entry in ClinVar:

NM_058216.3(RAD51C):c.837+775A>G

Gene: RAD51C (RAD51 paralog C; plus strand). Cytogenetic location: 17q22.
Variant type: single nucleotide variant.
Coding change: c.837+775A>G on transcript NM_058216.3 (MANE Select); 775 bases into the intron after coding-DNA position 837, A replaced by G.
Molecular consequence: intron variant.
Genome position (GRCh38, 1-based): chr17:58,710,765, A>G. VCF-style: chr17-58710765-A-G. GRCh37 (hg19) VCF-style: chr17-56788126-A-G.
Identifiers: ClinVar variation 4542717 (VCV004542717.1).

ClinVar aggregate classification (germline): Uncertain significance (1 of 4 stars; one submission).

Conditions:
Hereditary cancer-predisposing syndrome. Also called: Tumor predisposition; Hereditary Cancer Syndrome; Hereditary neoplastic syndrome; Neoplastic Syndromes, Hereditary. Identifiers: Orphanet 140162, MedGen C0027672, MeSH D009386, MONDO:0015356.

Submission:

Ambry Genetics
Classification: Uncertain significance for Hereditary cancer-predisposing syndrome. Last evaluated: 2025-11-26. Review status: criteria provided, single submitter. Criteria: Ambry Variant Classification Scheme 2023. Collection method: clinical testing. Allele origin: germline.
Comment: The c.837+775A>G intronic variant results from an A to G substitution 775 nucleotides after coding exon 5 in the RAD51C gene. This nucleotide position is well conserved in available vertebrate species. In silico splice site analysis predicts that this alteration will result in the creation or strengthening of a novel splice donor site; however, direct evidence is insufficient at this time (Ambry internal data). Based on the available evidence, the clinical significance of this variant remains unclear.